The following is an entry in ClinVar:

ClinVar aggregate classification (germline): Uncertain significance (1 of 4 stars; one submission).

Conditions:
Fanconi anemia (FA). Also called: Fanconi's anemia. Identifiers: Orphanet 84, MedGen C0015625, MeSH D005199, MONDO:0019391.

gnomAD v4.1: 3 of 1,614,040 alleles (0.00019%); highest among the groups gnomAD compares: East Asian, 0.0022%; no homozygotes.

Submission:

Labcorp Genetics (formerly Invitae), Labcorp
Classification: Uncertain significance for Fanconi anemia. Last evaluated: 2025-07-02. Review status: criteria provided, single submitter. Criteria: Invitae Variant Classification Sherloc (09022015). Collection method: clinical testing. Allele origin: germline.
Comment: This sequence change replaces valine, which is neutral and non-polar, with leucine, which is neutral and non-polar, at codon 1216 of the FANCI protein (p.Val1216Leu). This variant is present in population databases (no rsID available, gnomAD 0.007%). This variant has not been reported in the literature in individuals affected with FANCI-related conditions. ClinVar contains an entry for this variant (Variation ID: 3628875). Invitae Evidence Modeling of protein sequence and biophysical properties (such as structural, functional, and spatial information, amino acid conservation, physicochemical variation, residue mobility, and thermodynamic stability) indicates that this missense variant is not expected to disrupt FANCI protein function with a negative predictive value of 80%. Algorithms developed to predict the effect of sequence changes on RNA splicing suggest that this variant may create or strengthen a splice site. In summary, the available evidence is currently insufficient to determine the role of this variant in disease. Therefore, it has been classified as a Variant of Uncertain Significance.

NM_001113378.2(FANCI):c.3646G>C (p.Val1216Leu)

Gene: FANCI (FA complementation group I; plus strand). Cytogenetic location: 15q26.1.
Variant type: single nucleotide variant.
Coding change: c.3646G>C on transcript NM_001113378.2 (MANE Select); coding-DNA position 3646, G replaced by C.
Protein change: p.Val1216Leu; replaces valine 1216 with leucine.
Molecular consequence: missense variant.
Genome position (GRCh38, 1-based): chr15:89,307,667, G>C. VCF-style: chr15-89307667-G-C. GRCh37 (hg19) VCF-style: chr15-89850898-G-C.
Other names: c.3367G>C, p.Val1123Leu (NM_001376910.1); c.3646G>C, p.Val1216Leu (NM_001376911.1); c.3466G>C, p.Val1156Leu (NM_018193.3); short protein forms V1123L, V1156L, V1216L.
Identifiers: ClinVar variation 3628875 (VCV003628875.2).
Genomic context (GRCh38, chr15:89,307,667, plus strand): 5'-GTGCAGGTGAAGCTGTCTGGTTCTCATCTGACCCCCCTGTGTTATTCTTTCATTTCTTAC[G>C]TACAGGTAAGAGATTCAGAGGCAGTACCCAATAGGTCTTCAAGAAAGGATTTCTTACATG-3'
Protein context (NP_001106849.1, residues 1206-1226): TPLCYSFISY[Val1216Leu]QNKSKSLNYT